The following is an entry in ClinVar:

ClinVar aggregate classification (germline): Uncertain significance (1 of 4 stars; one submission).

gnomAD v4.1: 1 of 1,614,168 alleles (0.000062%); highest among the groups gnomAD compares: Non-Finnish European, 0.000085%; no homozygotes.

Submission:

Labcorp Genetics (formerly Invitae), Labcorp
Classification: Uncertain significance. Last evaluated: 2024-11-05. Review status: criteria provided, single submitter. Criteria: Invitae Variant Classification Sherloc (09022015). Collection method: clinical testing. Allele origin: germline.
Comment: This sequence change replaces serine, which is neutral and polar, with arginine, which is basic and polar, at codon 66 of the NUP160 protein (p.Ser66Arg). This variant is not present in population databases (gnomAD no frequency). This variant has not been reported in the literature in individuals affected with NUP160-related conditions. ClinVar contains an entry for this variant (Variation ID: 2115625). An algorithm developed to predict the effect of missense changes on protein structure and function (PolyPhen-2) suggests that this variant is likely to be tolerated. In summary, the available evidence is currently insufficient to determine the role of this variant in disease. Therefore, it has been classified as a Variant of Uncertain Significance.

NM_015231.3(NUP160):c.94A>C (p.Ser32Arg)

Gene: NUP160 (nucleoporin 160; minus strand). Cytogenetic location: 11p11.2.
Variant type: single nucleotide variant.
Coding change: c.94A>C on transcript NM_015231.3 (MANE Select); coding-DNA position 94, A replaced by C.
Protein change: p.Ser32Arg; replaces serine 32 with arginine.
Molecular consequence: missense variant. On other transcripts: non-coding transcript variant (1).
Genome position (GRCh38, 1-based): chr11:47,848,225, T>G on the plus strand (A>C on the coding strand, the complement: NUP160 is on the minus strand). VCF-style: chr11-47848225-T-G. GRCh37 (hg19) VCF-style: chr11-47869777-T-G.
Other names: c.196A>C, p.Ser66Arg (NM_001318399.1); short protein forms S32R, S66R.
Identifiers: ClinVar variation 2115625 (VCV002115625.4), dbSNP rs1282251076, ClinGen allele CA380423658.